The following is an entry in ClinVar:

NM_001374736.1(DST):c.23201A>T (p.Lys7734Met)

Gene: DST (dystonin; minus strand). Cytogenetic location: 6p12.1.
Variant type: single nucleotide variant.
Coding change: c.23201A>T on transcript NM_001374736.1 (MANE Select); coding-DNA position 23201, A replaced by T.
Protein change: p.Lys7734Met; replaces lysine 7734 with methionine.
Molecular consequence: missense variant.
Genome position (GRCh38, 1-based): chr6:56,459,261, T>A on the plus strand (A>T on the coding strand, the complement: DST is on the minus strand). VCF-style: chr6-56459261-T-A. GRCh37 (hg19) VCF-style: chr6-56324059-T-A.
Other names: c.16772A>T, p.Lys5591Met (NM_001144769.5); c.16358A>T, p.Lys5453Met (NM_001144770.2); c.23129A>T, p.Lys7710Met (NM_001374722.1); c.22130A>T, p.Lys7377Met (NM_001374729.1); c.15872A>T, p.Lys5291Met (NM_001374730.1); c.23156A>T, p.Lys7719Met (NM_001374734.1); c.15260A>T, p.Lys5087Met (NM_015548.5); c.16238A>T, p.Lys5413Met (NM_183380.4); short protein forms K5413M, K7377M, K5087M, K5453M, K7710M, K5291M, K5591M, K7719M.
Identifiers: ClinVar variation 972095 (VCV000972095.1), dbSNP rs1168581623, ClinGen allele CA364503553.

ClinVar aggregate classification (germline): Uncertain significance (1 of 4 stars; one submission).

Conditions:
Epidermolysis bullosa simplex 3, localized or generalized intermediate, with BP230 deficiency (EBS3). Also called: Epidermolysis bullosa simplex, autosomal recessive 2; Epidermolysis bullosa simplex due to BP230 deficiency. Identifiers: Orphanet 412181, MedGen C3809470, MONDO:0014180, OMIM 615425.
Hereditary sensory and autonomic neuropathy type 6. Also called: Neuropathy, hereditary sensory and autonomic, type VI; HSAN VI. Identifiers: Orphanet 314381, MedGen C3539003, MONDO:0013839, OMIM 614653.

gnomAD v4.1: 1 of 1,612,042 alleles (0.000062%); highest among the groups gnomAD compares: Non-Finnish European, 0.000085%; no homozygotes.

Submission:

Labcorp Genetics (formerly Invitae), Labcorp
Classification: Uncertain significance for Epidermolysis bullosa simplex, autosomal recessive 2; Neuropathy, hereditary sensory and autonomic, type VI. Last evaluated: 2019-02-04. Review status: criteria provided, single submitter. Criteria: Invitae Variant Classification Sherloc (09022015). Collection method: clinical testing. Allele origin: germline.
Comment: This sequence change replaces lysine with methionine at codon 5087 of the DST protein (p.Lys5087Met). The lysine residue is weakly conserved and there is a moderate physicochemical difference between lysine and methionine. The DST gene has multiple clinically relevant transcripts. The p.Lys5087Met variant occurs in alternate transcript NM_015548.4, which corresponds to c.*156256A>T in NM_001723.5, the primary transcript listed in the Methods. This variant is not present in population databases (ExAC no frequency). This variant has not been reported in the literature in individuals with DST-related conditions. Algorithms developed to predict the effect of missense changes on protein structure and function are either unavailable or do not agree on the potential impact of this missense change (SIFT: "Deleterious"; PolyPhen-2: "Not Available"; Align-GVGD: "Class C0"). In summary, the available evidence is currently insufficient to determine the role of this variant in disease. Therefore, it has been classified as a Variant of Uncertain Significance.